The following is an entry in ClinVar:

NM_006904.7(PRKDC):c.2788G>A (p.Ala930Thr)

Gene: PRKDC (protein kinase, DNA-activated, catalytic subunit; minus strand). Cytogenetic location: 8q11.21.
Variant type: single nucleotide variant.
Coding change: c.2788G>A on transcript NM_006904.7 (MANE Select); coding-DNA position 2788, G replaced by A.
Protein change: p.Ala930Thr; replaces alanine 930 with threonine.
Molecular consequence: missense variant.
Genome position (GRCh38, 1-based): chr8:47,912,556, C>T on the plus strand (G>A on the coding strand, the complement: PRKDC is on the minus strand). VCF-style: chr8-47912556-C-T. GRCh37 (hg19) VCF-style: chr8-48825116-C-T.
Other names: c.2788G>A, p.Ala930Thr (NM_001081640.2); short protein forms A930T.
Identifiers: ClinVar variation 1959463 (VCV001959463.5), dbSNP rs2089922698, ClinGen allele CA371158969.
Genomic context (GRCh38, chr8:47,912,556, plus strand): 5'-CTGGCATCTGCGTGGCTTTGCCCAACATAAACATAACCATGCTATGTAAAAGTTCACAGG[C>T]TGCAACCTAAAACAGACCAGGAGGTCAGCAATGTTTAAGTTATCACGTTGATGACAAGAG-3'
Protein context (NP_008835.5, residues 920-940): TASDRQTKVA[Ala930Thr]CELLHSMVMF

ClinVar aggregate classification (germline): Uncertain significance (1 of 4 stars; one submission).

Conditions:
Severe combined immunodeficiency due to DNA-PKcs deficiency. Also called: IMMUNODEFICIENCY 26 WITH NEUROLOGIC ABNORMALITIES; Immunodeficiency 26 with or without neurologic abnormalities. Identifiers: Orphanet 317425, MedGen C4014833, MONDO:0014423, OMIM 615966.

Submission:

Labcorp Genetics (formerly Invitae), Labcorp
Classification: Uncertain significance for Severe combined immunodeficiency due to DNA-PKcs deficiency. Last evaluated: 2022-02-03. Review status: criteria provided, single submitter. Criteria: Invitae Variant Classification Sherloc (09022015). Collection method: clinical testing. Allele origin: germline.
Comment: This sequence change replaces alanine, which is neutral and non-polar, with threonine, which is neutral and polar, at codon 930 of the PRKDC protein (p.Ala930Thr). This variant is not present in population databases (gnomAD no frequency). This variant has not been reported in the literature in individuals affected with PRKDC-related conditions. Experimental studies and prediction algorithms are not available or were not evaluated, and the functional significance of this variant is currently unknown. In summary, the available evidence is currently insufficient to determine the role of this variant in disease. Therefore, it has been classified as a Variant of Uncertain Significance.